The following is an entry in ClinVar:

NM_001378454.1(ALMS1):c.236G>A (p.Trp79Ter)

Gene: ALMS1 (ALMS1 centrosome and basal body associated protein; plus strand). Cytogenetic location: 2p13.1.
Variant type: single nucleotide variant.
Coding change: c.236G>A on transcript NM_001378454.1 (MANE Select); coding-DNA position 236, G replaced by A.
Protein change: p.Trp79Ter; replaces tryptophan 79 with a stop codon.
Molecular consequence: nonsense.
Genome position (GRCh38, 1-based): chr2:73,386,104, G>A. VCF-style: chr2-73386104-G-A. GRCh37 (hg19) VCF-style: chr2-73613232-G-A.
Other names: c.239G>A, p.Trp80Ter (NM_015120.4); short protein forms W80*, W79*.
Identifiers: ClinVar variation 2873688 (VCV002873688.3), dbSNP rs2465971490, ClinGen allele CA347250897.

ClinVar aggregate classification (germline): Pathogenic (1 of 4 stars; one submission).

Conditions:
Alstrom syndrome (ALMS). Identifiers: Orphanet 64, MedGen C0268425, MONDO:0008763, OMIM 203800.

Submission:

Labcorp Genetics (formerly Invitae), Labcorp
Classification: Pathogenic for Alstrom syndrome. Last evaluated: 2023-09-27. Review status: criteria provided, single submitter. Criteria: Invitae Variant Classification Sherloc (09022015). Collection method: clinical testing. Allele origin: germline.
Comment: For these reasons, this variant has been classified as Pathogenic. This variant has not been reported in the literature in individuals affected with ALMS1-related conditions. This variant is not present in population databases (gnomAD no frequency). This sequence change creates a premature translational stop signal (p.Trp80*) in the ALMS1 gene. It is expected to result in an absent or disrupted protein product. Loss-of-function variants in ALMS1 are known to be pathogenic (PMID: 17594715).

Literature cited by the submitters: PubMed 17594715.